The following is an entry in ClinVar:

ClinVar aggregate classification (germline): Pathogenic/Likely pathogenic. Review status: criteria provided, multiple submitters, no conflicts (2 of 4 stars). 3 submissions from 3 submitters: Pathogenic (2); Likely pathogenic (1). Last evaluated 2026-04-07.

Conditions:
ABCA4-related disorder. Also called: ABCA4-related condition; ABCA4-related disorders. Identifiers: MedGen CN239167.

Allele frequency attached by ClinVar (database versions not stated): gnomAD 0.00001.

Submissions (3):

PreventionGenetics, part of Exact Sciences
Classification: Likely pathogenic for ABCA4-related condition. Last evaluated: 2026-04-07. Review status: criteria provided, single submitter. Criteria: ACMG Guidelines, 2015. Collection method: clinical testing. Allele origin: germline.
Comment: The ABCA4 c.5822delA variant is predicted to result in a frameshift and premature protein termination (p.His1941Leufs*3). This variant has been reported in a cohort study of Stargardt disease (Table S2A, Cornelis et al. 2022. PubMed ID: 35120629). This variant is absent in a large population database (gnomAD), indicating this variant is rare. Frameshift variants in ABCA4 are an established mechanism of disease. This variant is interpreted as likely pathogenic.

Labcorp Genetics (formerly Invitae), Labcorp
Classification: Pathogenic. Last evaluated: 2025-12-17. Review status: criteria provided, single submitter. Criteria: Invitae Variant Classification Sherloc (09022015). Collection method: clinical testing. Allele origin: germline.
Comment: This sequence change creates a premature translational stop signal (p.His1941Leufs*3) in the ABCA4 gene. It is expected to result in an absent or disrupted protein product. Loss-of-function variants in ABCA4 are known to be pathogenic (PMID: 10958761, 24938718, 25312043, 26780318). This variant is not present in population databases (gnomAD no frequency). This variant has not been reported in the literature in individuals affected with ABCA4-related conditions. ClinVar contains an entry for this variant (Variation ID: 949127). For these reasons, this variant has been classified as Pathogenic.

Blueprint Genetics
Classification: Pathogenic for ABCA4-related disorders. Last evaluated: 2021-12-24. Review status: criteria provided, single submitter. Criteria: ACMG Guidelines, 2015. Collection method: clinical testing. Allele origin: germline. Affected: yes. Observed: 4 variant alleles.

Literature cited by the submitters: PubMed 10958761 (cited by Labcorp Genetics (formerly Invitae), Labcorp); PubMed 24938718 (cited by Labcorp Genetics (formerly Invitae), Labcorp); PubMed 25312043 (cited by Labcorp Genetics (formerly Invitae), Labcorp); PubMed 26780318 (cited by Labcorp Genetics (formerly Invitae), Labcorp).

NM_000350.3(ABCA4):c.5822del (p.His1941fs)

Gene: ABCA4 (ATP binding cassette subfamily A member 4; minus strand). Cytogenetic location: 1p22.1.
Variant type: Deletion.
Coding change: c.5822del on transcript NM_000350.3 (MANE Select); coding-DNA position 5822, one base deleted (A; older notation c.5822delA).
Protein change: p.His1941fs; shifts the reading frame from histidine 1941.
Molecular consequence: frameshift variant.
Genome position (GRCh38, 1-based): chr1:94,008,764, T deleted on the plus strand (A on the coding strand, the reverse complement: ABCA4 is on the minus strand). VCF-style (leftmost placement, unchanged base first): chr1-94008763-AT-A. GRCh37 (hg19) VCF-style: chr1-94474319-AT-A.
Other names: c.5600delA, p.His1867Leufs (NM_001425324.1); c.5822delA (NM_000350.2); short protein forms H1941fs.
Identifiers: ClinVar variation 949127 (VCV000949127.10), dbSNP rs1659465707, ClinGen allele CA1139656190.